The following is an entry in ClinVar:

NM_002609.4(PDGFRB):c.1531C>T (p.Arg511Cys)

Gene: PDGFRB (platelet derived growth factor receptor beta; minus strand). Cytogenetic location: 5q32.
Variant type: single nucleotide variant.
Coding change: c.1531C>T on transcript NM_002609.4 (MANE Select); coding-DNA position 1531, C replaced by T.
Protein change: p.Arg511Cys; replaces arginine 511 with cysteine.
Molecular consequence: missense variant.
Genome position (GRCh38, 1-based): chr5:150,129,805, G>A on the plus strand (C>T on the coding strand, the complement: PDGFRB is on the minus strand). VCF-style: chr5-150129805-G-A. GRCh37 (hg19) VCF-style: chr5-149509368-G-A.
Other names: c.1339C>T, p.Arg447Cys (NM_001355016.2); c.1048C>T, p.Arg350Cys (NM_001355017.2); short protein forms R447C, R350C, R511C.
Identifiers: ClinVar variation 2929326 (VCV002929326.3), dbSNP rs765383598, ClinGen allele CA3507949.

ClinVar aggregate classification (germline): Uncertain significance (1 of 4 stars; one submission).

Conditions:
Infantile myofibromatosis (IMF). Also called: Congenital generalized fibromatosis. Identifiers: Orphanet 2591, MedGen C0432284, MONDO:0016824.
Skeletal overgrowth-craniofacial dysmorphism-hyperelastic skin-white matter lesions syndrome. Also called: SKELETAL OVERGROWTH WITH FACIAL DYSMORPHISM, HYPERELASTIC SKIN, WHITE MATTER LESIONS, AND NEUROLOGIC DETERIORATION; Kosaki overgrowth syndrome. Identifiers: Orphanet 477831, MedGen C4225270, MONDO:0014704, OMIM 616592.
Acroosteolysis-keloid-like lesions-premature aging syndrome. Also called: Premature aging syndrome, Penttinen type; Prematurely aged appearance, delayed bone maturation, acro-osteolysis, and brachydactyly; Progeroid syndrome, Penttinen type. Identifiers: Orphanet 363665, MedGen C1866182, MONDO:0011150, OMIM 601812.
Basal ganglia calcification, idiopathic, 4 (PFBC4). Also called: Familial Idiopathic Basal Ganglia Calcification 4; PRIMARY FAMILIAL BRAIN CALCIFICATION 4, AUTOSOMAL DOMINANT. Identifiers: Orphanet 1980, MedGen C3554321, MONDO:0014004, OMIM 615007.

Allele frequency attached by ClinVar (database versions not stated): gnomAD exomes 0.00001; TOPMed 0.00004; ExAC 0.00001; gnomAD 0.00003.
gnomAD v4.1: 19 of 1,613,816 alleles (0.0012%); highest among the groups gnomAD compares: African/African-American, 0.008%; no homozygotes.

Submission:

Labcorp Genetics (formerly Invitae), Labcorp
Classification: Uncertain significance for Basal ganglia calcification, idiopathic, 4; Skeletal overgrowth-craniofacial dysmorphism-hyperelastic skin-white matter lesions syndrome; Infantile myofibromatosis; Acroosteolysis-keloid-like lesions-premature aging syndrome. Last evaluated: 2023-05-15. Review status: criteria provided, single submitter. Criteria: Invitae Variant Classification Sherloc (09022015). Collection method: clinical testing. Allele origin: germline.
Comment: In summary, the available evidence is currently insufficient to determine the role of this variant in disease. Therefore, it has been classified as a Variant of Uncertain Significance. Advanced modeling of protein sequence and biophysical properties (such as structural, functional, and spatial information, amino acid conservation, physicochemical variation, residue mobility, and thermodynamic stability) performed at Invitae indicates that this missense variant is not expected to disrupt PDGFRB protein function. This variant has not been reported in the literature in individuals affected with PDGFRB-related conditions. This variant is present in population databases (rs765383598, gnomAD 0.0009%). This sequence change replaces arginine, which is basic and polar, with cysteine, which is neutral and slightly polar, at codon 511 of the PDGFRB protein (p.Arg511Cys).